The following is an entry in ClinVar:

ClinVar aggregate classification (germline): Uncertain significance (1 of 4 stars; one submission).

Conditions:
Spermatogenic failure 30. Identifiers: MedGen C4748224, MONDO:0020851, OMIM 618110.

Allele frequency attached by ClinVar (database versions not stated): gnomAD 0.00001.
gnomAD v4.1: 6 of 1,612,446 alleles (0.00037%); highest among the groups gnomAD compares: Non-Finnish European, 0.00051%; no homozygotes.

Submission:

MVZ Medizinische Genetik Mainz
Classification: Uncertain significance for Spermatogenic failure 30. Last evaluated: 2023-09-25. Review status: criteria provided, single submitter. Criteria: UK Practice Guidelines For Variant Classification V4 01 2020. Collection method: clinical testing. Allele origin: germline. Inheritance: Autosomal recessive inheritance. Affected: yes. Observed: 1 variant allele.
Comment: ACMG Criteria: PP3_MOD,PM2_SUP

NM_153046.3(TDRD9):c.1310G>T (p.Gly437Val)

Gene: TDRD9 (tudor domain containing 9; plus strand). Cytogenetic location: 14q32.33.
Variant type: single nucleotide variant.
Coding change: c.1310G>T on transcript NM_153046.3 (MANE Select); coding-DNA position 1310, G replaced by T.
Protein change: p.Gly437Val; replaces glycine 437 with valine.
Molecular consequence: missense variant.
Genome position (GRCh38, 1-based): chr14:103,994,593, G>T. VCF-style: chr14-103994593-G-T. GRCh37 (hg19) VCF-style: chr14-104460930-G-T.
Other names: short protein forms G437V.
Identifiers: ClinVar variation 3235980 (VCV003235980.1), dbSNP rs1352745082, ClinGen allele CA391119475.